The following is an entry in ClinVar:

ClinVar aggregate classification (germline): Uncertain significance. Review status: criteria provided, multiple submitters, no conflicts (2 of 4 stars). 3 submissions from 3 submitters: Uncertain significance (3). Last evaluated 2025-06-18.

Conditions:
Spastic paraplegia, optic atropy, and neuropathy. Also called: Spastic paraplegia, optic atrophy, and neuropathy; SPOAN syndrome. Identifiers: Orphanet 320406, MedGen C1836010, MONDO:0012297, OMIM 609541.

Allele frequency attached by ClinVar (database versions not stated): ExAC 0.00002; gnomAD 0.00002 and 0.00003; gnomAD exomes 0.00003; TOPMed 0.00003.
gnomAD v4.1: 44 of 1,595,606 alleles (0.0028%); highest among the groups gnomAD compares: African/African-American, 0.004%; no homozygotes.

Submissions (3):

Labcorp Genetics (formerly Invitae), Labcorp
Classification: Uncertain significance. Last evaluated: 2025-06-18. Review status: criteria provided, single submitter. Criteria: Invitae Variant Classification Sherloc (09022015). Collection method: clinical testing. Allele origin: germline.
Comment: This sequence change replaces arginine, which is basic and polar, with glutamine, which is neutral and polar, at codon 509 of the KLC2 protein (p.Arg509Gln). This variant is present in population databases (rs749350069, gnomAD 0.005%). This variant has not been reported in the literature in individuals affected with KLC2-related conditions. ClinVar contains an entry for this variant (Variation ID: 1028782). An algorithm developed to predict the effect of missense changes on protein structure and function (PolyPhen-2) suggests that this variant is likely to be tolerated. In summary, the available evidence is currently insufficient to determine the role of this variant in disease. Therefore, it has been classified as a Variant of Uncertain Significance.

Ambry Genetics
Classification: Uncertain significance. Last evaluated: 2021-08-06. Review status: criteria provided, single submitter. Criteria: Ambry Variant Classification Scheme 2023. Collection method: clinical testing. Allele origin: germline.

Baylor Genetics
Classification: Uncertain significance for Spastic paraplegia, optic atropy, and neuropathy. Last evaluated: 2020-02-28. Review status: criteria provided, single submitter. Criteria: ACMG Guidelines, 2015. Collection method: clinical testing. Allele origin: unknown. Affected: yes.
Comment: This variant was determined to be of uncertain significance according to ACMG Guidelines, 2015 [PMID:25741868].

NM_001318734.2(KLC2):c.1526G>A (p.Arg509Gln)

Gene: KLC2 (kinesin light chain 2; plus strand). Cytogenetic location: 11q13.2.
Variant type: single nucleotide variant.
Coding change: c.1526G>A on transcript NM_001318734.2 (MANE Select); coding-DNA position 1526, G replaced by A.
Protein change: p.Arg509Gln; replaces arginine 509 with glutamine.
Molecular consequence: missense variant.
Genome position (GRCh38, 1-based): chr11:66,265,936, G>A. VCF-style: chr11-66265936-G-A. GRCh37 (hg19) VCF-style: chr11-66033407-G-A.
Other names: c.1526G>A (NM_001134775.1); c.1295G>A, p.Arg432Gln (NM_001134774.2); c.1526G>A, p.Arg509Gln (NM_001134775.2, NM_001134776.2, NM_022822.3); short protein forms R432Q, R509Q.
Identifiers: ClinVar variation 1028782 (VCV001028782.5), dbSNP rs749350069, ClinGen allele CA6117478.